The following is an entry in ClinVar:

NM_003998.4(NFKB1):c.87A>C (p.Glu29Asp)

Gene: NFKB1 (nuclear factor kappa B subunit 1; plus strand). Cytogenetic location: 4q24.
Variant type: single nucleotide variant.
Coding change: c.87A>C on transcript NM_003998.4 (MANE Select); coding-DNA position 87, A replaced by C.
Protein change: p.Glu29Asp; replaces glutamic acid 29 with aspartic acid.
Molecular consequence: missense variant.
Genome position (GRCh38, 1-based): chr4:102,529,883, A>C. VCF-style: chr4-102529883-A-C. GRCh37 (hg19) VCF-style: chr4-103451040-A-C.
Other names: c.87A>C, p.Glu29Asp (NM_001165412.2, NM_001319226.2, NM_001382625.1 and 2 more transcripts); c.48A>C, p.Glu16Asp (NM_001382628.1); short protein forms E29D, E16D.
Identifiers: ClinVar variation 4711034 (VCV004711034.1).

ClinVar aggregate classification (germline): Uncertain significance (1 of 4 stars; one submission).

Submission:

Labcorp Genetics (formerly Invitae), Labcorp
Classification: Uncertain significance. Last evaluated: 2025-04-17. Review status: criteria provided, single submitter. Criteria: Invitae Variant Classification Sherloc (09022015). Collection method: clinical testing. Allele origin: germline.
Comment: This sequence change replaces glutamic acid, which is acidic and polar, with aspartic acid, which is acidic and polar, at codon 29 of the NFKB1 protein (p.Glu29Asp). This variant is not present in population databases (gnomAD no frequency). This variant has not been reported in the literature in individuals affected with NFKB1-related conditions. An algorithm developed to predict the effect of missense changes on protein structure and function (PolyPhen-2) suggests that this variant is likely to be tolerated. In summary, the available evidence is currently insufficient to determine the role of this variant in disease. Therefore, it has been classified as a Variant of Uncertain Significance.